The following is an entry in ClinVar:

NM_014855.3(AP5Z1):c.1063G>A (p.Gly355Arg)

Gene: AP5Z1 (adaptor related protein complex 5 subunit zeta 1; plus strand). Cytogenetic location: 7p22.1.
Variant type: single nucleotide variant.
Coding change: c.1063G>A on transcript NM_014855.3 (MANE Select); coding-DNA position 1063, G replaced by A.
Protein change: p.Gly355Arg; replaces glycine 355 with arginine.
Molecular consequence: missense variant. On other transcripts: non-coding transcript variant (1).
Genome position (GRCh38, 1-based): chr7:4,785,615, G>A. VCF-style: chr7-4785615-G-A. GRCh37 (hg19) VCF-style: chr7-4825246-G-A.
Other names: c.595G>A, p.Gly199Arg (NM_001364858.1); short protein forms G355R, G199R.
Identifiers: ClinVar variation 2046466 (VCV002046466.2), dbSNP rs777311886, ClinGen allele CA4137583.

ClinVar aggregate classification (germline): Uncertain significance (1 of 4 stars; one submission).

Conditions:
Hereditary spastic paraplegia 48. Also called: SPASTIC PARAPLEGIA 48, AUTOSOMAL RECESSIVE; Spastic paraplegia 48. Identifiers: Orphanet 306511, MedGen C3150901, MONDO:0013342, OMIM 613647.

Allele frequency attached by ClinVar (database versions not stated): gnomAD exomes 0.00002; gnomAD 0.00005; ExAC 0.00007.
gnomAD v4.1: 40 of 1,584,024 alleles (0.0025%); highest among the groups gnomAD compares: Middle Eastern, 0.017%; no homozygotes.

Submission:

Labcorp Genetics (formerly Invitae), Labcorp
Classification: Uncertain significance for Hereditary spastic paraplegia 48. Last evaluated: 2022-06-23. Review status: criteria provided, single submitter. Criteria: Invitae Variant Classification Sherloc (09022015). Collection method: clinical testing. Allele origin: germline.
Comment: Algorithms developed to predict the effect of missense changes on protein structure and function output the following: SIFT: "Tolerated"; PolyPhen-2: "Benign"; Align-GVGD: "Class C0". The arginine amino acid residue is found in multiple mammalian species, which suggests that this missense change does not adversely affect protein function. In summary, the available evidence is currently insufficient to determine the role of this variant in disease. Therefore, it has been classified as a Variant of Uncertain Significance. This variant has not been reported in the literature in individuals affected with AP5Z1-related conditions. This variant is present in population databases (rs777311886, gnomAD 0.02%). This sequence change replaces glycine, which is neutral and non-polar, with arginine, which is basic and polar, at codon 355 of the AP5Z1 protein (p.Gly355Arg).